The following is an entry in ClinVar:

ClinVar aggregate classification (germline): Uncertain significance (1 of 4 stars; one submission).

Conditions:
Inborn genetic diseases. Identifiers: MedGen C0950123, MeSH D030342.

Submission:

Ambry Genetics
Classification: Uncertain significance for Inborn genetic diseases. Last evaluated: 2025-08-20. Review status: criteria provided, single submitter. Criteria: Ambry Variant Classification Scheme 2023. Collection method: clinical testing. Allele origin: germline.
Comment: The p.S724N variant (also known as c.2171G>A), located in coding exon 21 of the ANKRD26 gene, results from a G to A substitution at nucleotide position 2171. The serine at codon 724 is replaced by asparagine, an amino acid with highly similar properties. This amino acid position is conserved. In addition, this alteration is predicted to be tolerated by in silico analysis. Based on the available evidence, the clinical significance of this variant remains unclear.

NM_014915.3(ANKRD26):c.2171G>A (p.Ser724Asn)

Gene: ANKRD26 (ankyrin repeat domain containing 26; minus strand). Cytogenetic location: 10p12.1.
Variant type: single nucleotide variant.
Coding change: c.2171G>A on transcript NM_014915.3 (MANE Select); coding-DNA position 2171, G replaced by A.
Protein change: p.Ser724Asn; replaces serine 724 with asparagine.
Molecular consequence: missense variant.
Genome position (GRCh38, 1-based): chr10:27,040,169, C>T on the plus strand (G>A on the coding strand, the complement: ANKRD26 is on the minus strand). VCF-style: chr10-27040169-C-T. GRCh37 (hg19) VCF-style: chr10-27329098-C-T.
Other names: c.2168G>A, p.Ser723Asn (NM_001256053.2); short protein forms S723N, S724N.
Identifiers: ClinVar variation 4104315 (VCV004104315.1).
Genomic context (GRCh38, chr10:27,040,169, plus strand): 5'-TTTTTTTTAAGTTCTAATAATCTTTCACATGAAAGAGCTGCATCCTGGATTTTCAATAGG[C>T]TAACAGAATCTGTATCAGGAAGAAAACAAGATAGAAATATATGAGCATTTTTCCATATAA-3'
Protein context (NP_055730.2, residues 714-734): QLGMECKDSV[Ser724Asn]LLKIQDAALS